The following is an entry in ClinVar:

NM_002582.4(PARN):c.1052A>C (p.Lys351Thr)

Gene: PARN (poly(A)-specific ribonuclease; minus strand). Cytogenetic location: 16p13.12.
Variant type: single nucleotide variant.
Coding change: c.1052A>C on transcript NM_002582.4 (MANE Select); coding-DNA position 1052, A replaced by C.
Protein change: p.Lys351Thr; replaces lysine 351 with threonine.
Molecular consequence: missense variant.
Genome position (GRCh38, 1-based): chr16:14,584,376, T>G on the plus strand (A>C on the coding strand, the complement: PARN is on the minus strand). VCF-style: chr16-14584376-T-G. GRCh37 (hg19) VCF-style: chr16-14678233-T-G.
Other names: c.869A>C, p.Lys290Thr (NM_001134477.3); c.914A>C, p.Lys305Thr (NM_001242992.2); short protein forms K290T, K305T, K351T.
Identifiers: ClinVar variation 2952143 (VCV002952143.3), dbSNP rs2507860281, ClinGen allele CA394802829.
Genomic context (GRCh38, chr16:14,584,376, plus strand): 5'-GTTTGGAGGGTTTCCGGTTTAATATTCTTACCAACTTTAGGAGGGTTGAAAGGTGTCTCT[T>G]TTAACCGCTTTTCCAATTCCGCAAGGGATGTGTTGTTAATGATATCCTGCAAACCACGAA-3'
Protein context (NP_002573.1, residues 341-361): TSLAELEKRL[Lys351Thr]ETPFNPPKVE

ClinVar aggregate classification (germline): Uncertain significance (1 of 4 stars; one submission).

Conditions:
Dyskeratosis congenita, autosomal recessive 6 (DKCB6). Identifiers: MedGen C4225356, MONDO:0014600, OMIM 616353.
Pulmonary fibrosis and/or bone marrow failure, Telomere-related, 4. Also called: PULMONARY FIBROSIS AND/OR BONE MARROW FAILURE SYNDROME, TELOMERE-RELATED, 4. Identifiers: Orphanet 2032, MedGen C4225347, MONDO:0014612, OMIM 616371.

Submission:

Labcorp Genetics (formerly Invitae), Labcorp
Classification: Uncertain significance for Dyskeratosis congenita, autosomal recessive 6; Pulmonary fibrosis and/or bone marrow failure, Telomere-related, 4. Last evaluated: 2023-09-22. Review status: criteria provided, single submitter. Criteria: Invitae Variant Classification Sherloc (09022015). Collection method: clinical testing. Allele origin: germline.
Comment: This variant is not present in population databases (gnomAD no frequency). In summary, the available evidence is currently insufficient to determine the role of this variant in disease. Therefore, it has been classified as a Variant of Uncertain Significance. Advanced modeling of protein sequence and biophysical properties (such as structural, functional, and spatial information, amino acid conservation, physicochemical variation, residue mobility, and thermodynamic stability) performed at Invitae indicates that this missense variant is not expected to disrupt PARN protein function. This variant has not been reported in the literature in individuals affected with PARN-related conditions. This sequence change replaces lysine, which is basic and polar, with threonine, which is neutral and polar, at codon 351 of the PARN protein (p.Lys351Thr).